The following is an entry in ClinVar:

ClinVar aggregate classification (germline): Uncertain significance (1 of 4 stars; one submission).

Conditions:
Cardiovascular phenotype. Identifiers: MedGen CN230736.

Submission:

Ambry Genetics
Classification: Uncertain significance for Cardiovascular phenotype. Last evaluated: 2025-09-04. Review status: criteria provided, single submitter. Criteria: Ambry Variant Classification Scheme 2023. Collection method: clinical testing. Allele origin: germline.
Comment: The p.R83S variant (also known as c.247C>A), located in coding exon 3 of the ABCA1 gene, results from a C to A substitution at nucleotide position 247. The arginine at codon 83 is replaced by serine, an amino acid with dissimilar properties. This amino acid position is conserved. In addition, this alteration is predicted to be deleterious by in silico analysis. Based on the available evidence, the clinical significance of this variant remains unclear.

NM_005502.4(ABCA1):c.247C>A (p.Arg83Ser)

Gene: ABCA1 (ATP binding cassette subfamily A member 1; minus strand). Cytogenetic location: 9q31.1.
Variant type: single nucleotide variant.
Coding change: c.247C>A on transcript NM_005502.4 (MANE Select); coding-DNA position 247, C replaced by A.
Protein change: p.Arg83Ser; replaces arginine 83 with serine.
Molecular consequence: missense variant.
Genome position (GRCh38, 1-based): chr9:104,884,482, G>T on the plus strand (C>A on the coding strand, the complement: ABCA1 is on the minus strand). VCF-style: chr9-104884482-G-T. GRCh37 (hg19) VCF-style: chr9-107646763-G-T.
Other names: short protein forms R83S.
Identifiers: ClinVar variation 4236815 (VCV004236815.1).